The following is an entry in ClinVar:

NM_001193315.2(VIPAS39):c.895C>T (p.Arg299Cys)

Gene: VIPAS39 (VPS33B interacting protein, apical-basolateral polarity regulator, spe-39 homolog; minus strand). Cytogenetic location: 14q24.3.
Variant type: single nucleotide variant.
Coding change: c.895C>T on transcript NM_001193315.2 (MANE Select); coding-DNA position 895, C replaced by T.
Protein change: p.Arg299Cys; replaces arginine 299 with cysteine.
Molecular consequence: missense variant. On other transcripts: non-coding transcript variant (1), intron variant (1).
Genome position (GRCh38, 1-based): chr14:77,435,861, G>A on the plus strand (C>T on the coding strand, the complement: VIPAS39 is on the minus strand). VCF-style: chr14-77435861-G-A. GRCh37 (hg19) VCF-style: chr14-77902204-G-A.
Other names: c.895C>T, p.Arg299Cys (NM_001193314.2, NM_001193317.2, NM_001400326.1 and 6 more transcripts); c.748C>T, p.Arg250Cys (NM_001193316.2, NM_001400324.1, NM_001400325.1); c.862C>T, p.Arg288Cys (NM_001400327.1); c.802C>T, p.Arg268Cys (NM_001400333.1, NM_001400334.1); c.655C>T, p.Arg219Cys (NM_001400337.1); c.793C>T, p.Arg265Cys (NM_001400338.1); c.763-1558C>T (NM_001400339.1); short protein forms R219C, R299C, R288C, R250C, R265C, R268C.
Identifiers: ClinVar variation 3814994 (VCV003814994.2).
Genomic context (GRCh38, chr14:77,435,861, plus strand): 5'-GCCTTGGCACTGAAGCAAAAGATATAGAGATGAAGAGTCTAACCTCAATAATGATCTGAC[G>A]TTCCAGGAGCGTGTAATGGTCCTGTATGTGTGCGGAATCTTCTGCTGAAAATGGCAAACT-3'
Protein context (NP_001180244.1, residues 289-309): HIQDHYTLLE[Arg299Cys]QIIIEANDRH

ClinVar aggregate classification (germline): Uncertain significance. Review status: criteria provided, multiple submitters, no conflicts (2 of 4 stars). 2 submissions from 2 submitters: Uncertain significance (2). Last evaluated 2025-11-01.

Conditions:
Inborn genetic diseases. Identifiers: MedGen C0950123, MeSH D030342.

gnomAD v4.1: 60 of 1,614,034 alleles (0.0037%); highest among the groups gnomAD compares: Non-Finnish European, 0.0043%; no homozygotes.

Submissions (2):

Labcorp Genetics (formerly Invitae), Labcorp
Classification: Uncertain significance. Last evaluated: 2025-11-01. Review status: criteria provided, single submitter. Criteria: Invitae Variant Classification Sherloc (09022015). Collection method: clinical testing. Allele origin: germline.
Comment: This sequence change replaces arginine, which is basic and polar, with cysteine, which is neutral and slightly polar, at codon 299 of the VIPAS39 protein (p.Arg299Cys). This variant is present in population databases (rs751039350, gnomAD 0.006%). This variant has not been reported in the literature in individuals affected with VIPAS39-related conditions. ClinVar contains an entry for this variant (Variation ID: 3814994). Invitae Evidence Modeling of protein sequence and biophysical properties (such as structural, functional, and spatial information, amino acid conservation, physicochemical variation, residue mobility, and thermodynamic stability) indicates that this missense variant is expected to disrupt VIPAS39 protein function with a positive predictive value of 80%. Algorithms developed to predict the effect of sequence changes on RNA splicing suggest that this variant may disrupt the consensus splice site. In summary, the available evidence is currently insufficient to determine the role of this variant in disease. Therefore, it has been classified as a Variant of Uncertain Significance.

Ambry Genetics
Classification: Uncertain significance for Inborn genetic diseases. Last evaluated: 2025-02-24. Review status: criteria provided, single submitter. Criteria: Ambry Variant Classification Scheme 2023. Collection method: clinical testing. Allele origin: germline.